The following is an entry in ClinVar:

ClinVar aggregate classification (germline): Uncertain significance (1 of 4 stars; one submission).

Conditions:
Ehlers-Danlos syndrome, type 4 (EDSVASC). Also called: Ehlers-Danlos syndrome vascular type; Ehlers Danlos syndrome, ecchymotic type; Ehlers Danlos syndrome, arterial type; Ehlers Danlos syndrome, Sack-Barabas type; Ehlers-Danlos Syndrome Type IV. Identifiers: Orphanet 286, MedGen C0268338, MONDO:0017314, OMIM 130050.

Submission:

Labcorp Genetics (formerly Invitae), Labcorp
Classification: Uncertain significance for Ehlers-Danlos syndrome, type 4. Last evaluated: 2024-04-05. Review status: criteria provided, single submitter. Criteria: Invitae Variant Classification Sherloc (09022015). Collection method: clinical testing. Allele origin: germline.
Comment: This sequence change replaces isoleucine, which is neutral and non-polar, with threonine, which is neutral and polar, at codon 116 of the COL3A1 protein (p.Ile116Thr). This variant is not present in population databases (gnomAD no frequency). This variant has not been reported in the literature in individuals affected with COL3A1-related conditions. ClinVar contains an entry for this variant (Variation ID: 2002692). Advanced modeling of protein sequence and biophysical properties (such as structural, functional, and spatial information, amino acid conservation, physicochemical variation, residue mobility, and thermodynamic stability) performed at Invitae indicates that this missense variant is not expected to disrupt COL3A1 protein function with a negative predictive value of 95%. In summary, the available evidence is currently insufficient to determine the role of this variant in disease. Therefore, it has been classified as a Variant of Uncertain Significance.

NM_000090.4(COL3A1):c.347T>C (p.Ile116Thr)

Gene: COL3A1 (collagen type III alpha 1 chain; plus strand). Cytogenetic location: 2q32.2.
Variant type: single nucleotide variant.
Coding change: c.347T>C on transcript NM_000090.4 (MANE Select); coding-DNA position 347, T replaced by C.
Protein change: p.Ile116Thr; replaces isoleucine 116 with threonine.
Molecular consequence: missense variant.
Genome position (GRCh38, 1-based): chr2:188,985,678, T>C. VCF-style: chr2-188985678-T-C. GRCh37 (hg19) VCF-style: chr2-189850404-T-C.
Other names: short protein forms I116T.
Identifiers: ClinVar variation 2002692 (VCV002002692.4), dbSNP rs769622439, ClinGen allele CA349847732.